The following is an entry in ClinVar:

ClinVar aggregate classification (germline): Uncertain significance (1 of 4 stars; one submission).

gnomAD v4.1: 14 of 1,613,658 alleles (0.00087%); highest among the groups gnomAD compares: Admixed American, 0.0017%; no homozygotes.

Submission:

Ambry Genetics
Classification: Uncertain significance. Last evaluated: 2025-02-01. Review status: criteria provided, single submitter. Criteria: Ambry Variant Classification Scheme 2023. Collection method: clinical testing. Allele origin: germline.
Comment: The p.V22A variant (also known as c.65T>C), located in coding exon 1 of the MYOM1 gene, results from a T to C substitution at nucleotide position 65. The valine at codon 22 is replaced by alanine, an amino acid with similar properties. This amino acid position is conserved. In addition, this alteration is predicted to be tolerated by in silico analysis. Since supporting evidence is limited at this time, the clinical significance of this alteration remains unclear.

NM_003803.4(MYOM1):c.65T>C (p.Val22Ala)

Gene: MYOM1 (myomesin 1; minus strand). Cytogenetic location: 18p11.31.
Variant type: single nucleotide variant.
Coding change: c.65T>C on transcript NM_003803.4 (MANE Select); coding-DNA position 65, T replaced by C.
Protein change: p.Val22Ala; replaces valine 22 with alanine.
Molecular consequence: missense variant.
Genome position (GRCh38, 1-based): chr18:3,215,159, A>G on the plus strand (T>C on the coding strand, the complement: MYOM1 is on the minus strand). VCF-style: chr18-3215159-A-G. GRCh37 (hg19) VCF-style: chr18-3215157-A-G.
Other names: c.65T>C, p.Val22Ala (NM_019856.2); short protein forms V22A.
Identifiers: ClinVar variation 1754417 (VCV001754417.3), dbSNP rs113162857, ClinGen allele CA8875375.
Genomic context (GRCh38, chr18:3,215,159, plus strand): 5'-CCCTGGGTGTAGACGGCGGAGCGTTTCTTCTCCCGCTGGTAGTGACTCACGGTGCTGCGC[A>G]CGTCCTTGTTGCGGTAGCTGAGATCATAGTGCTGGTGGCACCTCTGATAAAAAGGCAAAG-3'
Protein context (NP_003794.3, residues 12-32): HYDLSYRNKD[Val22Ala]RSTVSHYQRE